The following is an entry in ClinVar:

NM_152263.4(TPM3):c.391A>G (p.Ile131Val)

Gene: TPM3 (tropomyosin 3; minus strand). Cytogenetic location: 1q21.3.
Variant type: single nucleotide variant.
Coding change: c.391A>G on transcript NM_152263.4 (MANE Select); coding-DNA position 391, A replaced by G.
Protein change: p.Ile131Val; replaces isoleucine 131 with valine.
Molecular consequence: missense variant. On other transcripts: non-coding transcript variant (1).
Genome position (GRCh38, 1-based): chr1:154,173,188, T>C on the plus strand (A>G on the coding strand, the complement: TPM3 is on the minus strand). VCF-style: chr1-154173188-T-C. GRCh37 (hg19) VCF-style: chr1-154145664-T-C.
Other names: c.280A>G, p.Ile94Val (NM_001043351.2, NM_001043352.2, NM_001043353.2 and 5 more transcripts); c.82A>G, p.Ile28Val (NM_001278188.2); c.10A>G, p.Ile4Val (NM_001278191.2); c.391A>G, p.Ile131Val (NM_001364679.2, NM_001364680.2, NM_001364681.2 and 1 more transcripts); short protein forms I131V, I28V, I4V, I94V.
Identifiers: ClinVar variation 4783229 (VCV004783229.1).

ClinVar aggregate classification (germline): Uncertain significance (1 of 4 stars; one submission).

Conditions:
Congenital myopathy with fiber type disproportion. Also called: Congenital fiber-type disproportion myopathy; Congenital fiber-type disproportion. Identifiers: Orphanet 2020, MedGen C0546264, MONDO:0009711. Inheritance: all.
Congenital myopathy 4B, autosomal recessive. Also called: Nemaline myopathy 1, autosomal dominant or recessive. Identifiers: Orphanet 171433, Orphanet 171439, Orphanet 171881, MedGen C5829889, MONDO:0012239, OMIM 609284.

Submission:

Labcorp Genetics (formerly Invitae), Labcorp
Classification: Uncertain significance for Congenital myopathy with fiber type disproportion; Congenital myopathy 4B, autosomal recessive. Last evaluated: 2025-02-24. Review status: criteria provided, single submitter. Criteria: Invitae Variant Classification Sherloc (09022015). Collection method: clinical testing. Allele origin: germline.
Comment: This sequence change replaces isoleucine, which is neutral and non-polar, with valine, which is neutral and non-polar, at codon 131 of the TPM3 protein (p.Ile131Val). This variant is not present in population databases (gnomAD no frequency). This variant has not been reported in the literature in individuals affected with TPM3-related conditions. Invitae Evidence Modeling of protein sequence and biophysical properties (such as structural, functional, and spatial information, amino acid conservation, physicochemical variation, residue mobility, and thermodynamic stability) indicates that this missense variant is not expected to disrupt TPM3 protein function with a negative predictive value of 80%. In summary, the available evidence is currently insufficient to determine the role of this variant in disease. Therefore, it has been classified as a Variant of Uncertain Significance.